The following is an entry in ClinVar:

ClinVar aggregate classification (germline): Uncertain significance (1 of 4 stars; one submission).

Allele frequency attached by ClinVar (database versions not stated): gnomAD exomes below 0.00001; ExAC 0.00001.
gnomAD v4.1: 2 of 1,613,260 alleles (0.00012%); highest among the groups gnomAD compares: East Asian, 0.0022%; no homozygotes.

Submission:

Labcorp Genetics (formerly Invitae), Labcorp
Classification: Uncertain significance. Last evaluated: 2023-05-13. Review status: criteria provided, single submitter. Criteria: Invitae Variant Classification Sherloc (09022015). Collection method: clinical testing. Allele origin: germline.
Comment: This variant has not been reported in the literature in individuals affected with HMCN1-related conditions. An algorithm developed to predict the effect of missense changes on protein structure and function (PolyPhen-2) suggests that this variant is likely to be disruptive. The frequency data for this variant in the population databases is considered unreliable, as metrics indicate poor data quality at this position in the gnomAD database. This sequence change replaces valine, which is neutral and non-polar, with isoleucine, which is neutral and non-polar, at codon 3336 of the HMCN1 protein (p.Val3336Ile). In summary, the available evidence is currently insufficient to determine the role of this variant in disease. Therefore, it has been classified as a Variant of Uncertain Significance.

NM_031935.3(HMCN1):c.10006G>A (p.Val3336Ile)

Gene: HMCN1 (hemicentin 1; plus strand). Cytogenetic location: 1q31.1.
Variant type: single nucleotide variant.
Coding change: c.10006G>A on transcript NM_031935.3 (MANE Select); coding-DNA position 10006, G replaced by A.
Protein change: p.Val3336Ile; replaces valine 3336 with isoleucine.
Molecular consequence: missense variant.
Genome position (GRCh38, 1-based): chr1:186,093,252, G>A. VCF-style: chr1-186093252-G-A. GRCh37 (hg19) VCF-style: chr1-186062384-G-A.
Other names: short protein forms V3336I.
Identifiers: ClinVar variation 2787462 (VCV002787462.3), dbSNP rs774552681, ClinGen allele CA1293610.